The following is an entry in ClinVar:

NM_020207.7(ERCC6L2):c.256G>T (p.Asp86Tyr)

Gene: ERCC6L2 (ERCC excision repair 6 like 2; plus strand). Cytogenetic location: 9q22.32.
Variant type: single nucleotide variant.
Coding change: c.256G>T on transcript NM_020207.7 (MANE Select); coding-DNA position 256, G replaced by T.
Protein change: p.Asp86Tyr; replaces aspartic acid 86 with tyrosine.
Molecular consequence: missense variant. On other transcripts: non-coding transcript variant (1).
Genome position (GRCh38, 1-based): chr9:95,881,078, G>T. VCF-style: chr9-95881078-G-T. GRCh37 (hg19) VCF-style: chr9-98643360-G-T.
Other names: c.256G>T, p.Asp86Tyr (NM_001010895.4, NM_001375291.1, NM_001375292.1 and 2 more transcripts); short protein forms D86Y.
Identifiers: ClinVar variation 4718146 (VCV004718146.1).

ClinVar aggregate classification (germline): Uncertain significance (1 of 4 stars; one submission).

Submission:

Labcorp Genetics (formerly Invitae), Labcorp
Classification: Uncertain significance. Last evaluated: 2025-08-12. Review status: criteria provided, single submitter. Criteria: Invitae Variant Classification Sherloc (09022015). Collection method: clinical testing. Allele origin: germline.
Comment: This sequence change replaces aspartic acid, which is acidic and polar, with tyrosine, which is neutral and polar, at codon 97 of the ERCC6L2 protein (p.Asp97Tyr). This variant is not present in population databases (gnomAD no frequency). This variant has not been reported in the literature in individuals affected with ERCC6L2-related conditions. Experimental studies and prediction algorithms are not available or were not evaluated, and the functional significance of this variant is currently unknown. In summary, the available evidence is currently insufficient to determine the role of this variant in disease. Therefore, it has been classified as a Variant of Uncertain Significance.